The following is an entry in ClinVar:

ClinVar aggregate classification (germline): Benign/Likely benign. Review status: criteria provided, multiple submitters, no conflicts (2 of 4 stars). 11 submissions from 9 submitters: Benign (7); Likely benign (2). 2 of the submissions do not count toward it. Last evaluated 2026-05-12.

Conditions:
von Willebrand disease type 2 (VWD2). Also called: VWD, TYPE 2; VON WILLEBRAND DISEASE, TYPE II; VON WILLEBRAND DISEASE, TYPE 2A/IIE; VON WILLEBRAND DISEASE, TYPE 2CB. Identifiers: Orphanet 166081, Orphanet 903, MedGen C1264040, MONDO:0013304, OMIM 613554.
von Willebrand disease type 3 (VWD3). Also called: Type 3 Von Willebrand's disease; Type 3 VWD; Von Willebrand disease, severe form; V WD3; VON WILLEBRAND DISEASE, TYPE III. Identifiers: Orphanet 166096, MedGen C1264041, MONDO:0010191, OMIM 277480.
von Willebrand disease type 1 (VWD1). Also called: VWD, TYPE 1; VON WILLEBRAND DISEASE, TYPE I. Identifiers: Orphanet 166078, Orphanet 903, MedGen C1264039, MONDO:0008668, OMIM 193400. Inheritance: autosomal recessive or autosomal dominant.

Allele frequency attached by ClinVar (database versions not stated): gnomAD exomes 0.04065 and 0.06116; 1000 Genomes Project 0.15555; TOPMed 0.16114; ExAC 0.06903; gnomAD 0.14470 and 0.15296; ESP Exome Variant Server 0.15654; 1000 Genomes Project 30x 0.16443.
gnomAD v4.1: 82,283 of 1,613,830 alleles (5.1%); highest among the groups gnomAD compares: African/African-American, 44%; 8,471 homozygotes.

Submissions (11):

Women's Health and Genetics/Laboratory Corporation of America, LabCorp
Classification: Likely benign. Last evaluated: 2026-05-12. Review status: criteria provided, single submitter. Criteria: LabCorp Variant Classification Summary - May 2015. Collection method: clinical testing. Allele origin: germline.

Mayo Clinic Laboratories, Mayo Clinic
Classification: Benign. Last evaluated: 2023-07-20. Review status: criteria provided, single submitter. Criteria: ACMG Guidelines, 2015. Collection method: clinical testing. Allele origin: germline. Observed: 101 variant alleles.
Comment: BA1, BS2

Genome-Nilou Lab
Classification: Benign for von Willebrand disease type 1. Last evaluated: 2021-12-05. Review status: criteria provided, single submitter. Criteria: ACMG Guidelines, 2015. Collection method: clinical testing. Allele origin: germline. Affected: no.

Genome-Nilou Lab
Classification: Benign for von Willebrand disease type 3. Last evaluated: 2021-12-05. Review status: criteria provided, single submitter. Criteria: ACMG Guidelines, 2015. Collection method: clinical testing. Allele origin: germline. Affected: no.

Genome-Nilou Lab
Classification: Benign for von Willebrand disease type 2. Last evaluated: 2021-12-05. Review status: criteria provided, single submitter. Criteria: ACMG Guidelines, 2015. Collection method: clinical testing. Allele origin: germline. Affected: no.

GeneDx
Classification: Benign. Last evaluated: 2021-01-29. Review status: criteria provided, single submitter. Criteria: GeneDx Variant Classification Process June 2021. Collection method: clinical testing. Allele origin: germline. Affected: yes.
Comment: This variant is associated with the following publications: (PMID: 27884173, 24675615)

Eurofins Ntd Llc (ga)
Classification: Benign. Last evaluated: 2014-12-22. Review status: criteria provided, single submitter. Criteria: EGL Classification Definitions 2015. Collection method: clinical testing. Allele origin: germline.

Breakthrough Genomics
Classification: Likely benign. Review status: criteria provided, single submitter. Criteria: ACMG Guidelines, 2015. Collection method: not provided. Allele origin: germline. Inheritance: Autosomal recessive inheritance. Affected: yes.

PreventionGenetics, part of Exact Sciences
Classification: Benign. Review status: criteria provided, single submitter. Criteria: ACMG Guidelines, 2015. Collection method: clinical testing. Allele origin: germline.

Genome Diagnostics Laboratory, University Medical Center Utrecht
Classification: Benign. Review status: no assertion criteria provided. Collection method: clinical testing. Allele origin: germline. Affected: yes. Study: VKGL Data-share Consensus. Not counted in ClinVar's aggregate classification.

Joint Genome Diagnostic Labs from Nijmegen and Maastricht, Radboudumc and MUMC+
Classification: Benign. Review status: no assertion criteria provided. Collection method: clinical testing. Allele origin: germline. Affected: yes. Study: VKGL Data-share Consensus. Not counted in ClinVar's aggregate classification.

NM_000552.5(VWF):c.954T>A (p.Asn318Lys)

Gene: VWF (von Willebrand factor; minus strand). Cytogenetic location: 12p13.31.
Variant type: single nucleotide variant.
Coding change: c.954T>A on transcript NM_000552.5 (MANE Select); coding-DNA position 954, T replaced by A.
Protein change: p.Asn318Lys; replaces asparagine 318 with lysine.
Molecular consequence: missense variant.
Genome position (GRCh38, 1-based): chr12:6,073,662, A>T on the plus strand (T>A on the coding strand, the complement: VWF is on the minus strand). VCF-style: chr12-6073662-A-T. GRCh37 (hg19) VCF-style: chr12-6182828-A-T.
Other names: c.954T>A (NM_000552.4); short protein forms N318K.
Identifiers: ClinVar variation 198745 (VCV000198745.18), dbSNP rs1800387, ClinGen allele CA203585.
Genomic context (GRCh38, chr12:6,073,662, plus strand): 5'-AGTGGGAAGTTCATTACCAGGGCAGCTGCAGCCATCCACGCATCGCTCCTGACACATTTC[A>T]TTGATGTGCAGGCTCTGGCAGGTCCTGGCGCAAGGGGACACACACTGCCTATACTCCATA-3'
Protein context (NP_000543.3, residues 308-328): CARTCQSLHI[Asn318Lys]EMCQERCVDG